The following is an entry in ClinVar:

ClinVar aggregate classification (germline): Conflicting classifications of pathogenicity. Review status: criteria provided, conflicting classifications (1 of 4 stars). 17 submissions from 17 submitters: Pathogenic (5); Likely pathogenic (9); Uncertain significance (3). Last evaluated 2026-09-22.

Conditions:
ACADM-related disorder. Also called: ACADM-related condition.
Medium-chain acyl-coenzyme A dehydrogenase deficiency (ACADMD). Also called: Medium chain acyl-CoA dehydrogenase deficiency; MCAD Deficiency; MCADH DEFICIENCY; ACADM DEFICIENCY; MCADD; CARNITINE DEFICIENCY SECONDARY TO MEDIUM-CHAIN ACYL-CoA DEHYDROGENASE DEFICIENCY. Identifiers: Orphanet 42, MedGen C0220710, MONDO:0008721, OMIM 201450.

Allele frequency attached by ClinVar (database versions not stated): 1000 Genomes Project 0.00020; 1000 Genomes Project 30x 0.00031; TOPMed 0.00012.
gnomAD v4.1: 180 of 1,612,528 alleles (0.011%); highest among the groups gnomAD compares: Admixed American, 0.14%; no homozygotes.

Submissions 1 to 9 of 17:

GeneDx
Classification: Uncertain significance. Last evaluated: 2026-09-22. Review status: criteria provided, single submitter. Criteria: GeneDx Variant Classification Process June 2021. Collection method: clinical testing. Allele origin: germline.
Comment: In silico analysis supports that this missense variant has a deleterious effect on protein structure/function; Also known as p.(T203N); This variant is associated with the following publications: (PMID: 20434380, 26764160, 32778825, 23842438, 15171998, 35281663, 35629059, 31836396, 18450854, 23798014, 30626930, 41133698, 40660651, 41022664, 41767627)

Dasa
Classification: Likely pathogenic. Last evaluated: 2026-02-02. Review status: criteria provided, single submitter. Criteria: DASA Assertion Criteria. Collection method: clinical testing. Allele origin: germline.
Comment: NM_000016.6(ACADM):c.683C>A (p.Thr228Asn) is a missense variant that results in the substitution of threonine with asparagine. This variant has been recurrently observed in individuals with related phenotype (PMID: 23842438; PMID: 35629059; PMID: 18450854; PMID: 15171998; PMID: 20434380). The variant is present at low frequency in population datasets. Based on the available data, this variant is classified as likely pathogenic.

PreventionGenetics, part of Exact Sciences
Classification: Likely pathogenic for ACADM-related condition. Last evaluated: 2026-01-28. Review status: criteria provided, single submitter. Criteria: ACMG Guidelines, 2015. Collection method: clinical testing. Allele origin: germline.
Comment: The ACADM c.683C>A variant is predicted to result in the amino acid substitution p.Thr228Asn. This variant has been reported in the compound heterozygous state in over twelve individuals with biochemical medium chain acyl CoA dehydrogenase deficiency (Table 4, McKinney et al. 2004. PubMed ID: 15171998; Table 2, Smith et al. 2010. PubMed ID: 20434380; Couce et al. 2013. PubMed ID: 23842438; Navarrete et al. 2019. PubMed ID: 30626930; Alcaide et al. 2022. PubMed ID: 35629059). In some patients this variant is predicted to mildly raise c8-carnitine levels and therefore many patients are only mildly affected or may be clinically asymptomatic (Anderson et al. 2019. PubMed ID: 31836396; Alcaide et al. 2022. PubMed ID: 35629059). Lymphocytes from patients with the c.683C>A variant in combination with a pathogenic variant exhibited 11-31% enzyme activity (Alcaide et al. 2022. PubMed ID: 35629059). This variant is reported in 0.16% of alleles in individuals of Latino descent in gnomAD. In summary, we interpret this variant as likely pathogenic.

Labcorp Genetics (formerly Invitae), Labcorp
Classification: Pathogenic for Medium-chain acyl-coenzyme A dehydrogenase deficiency. Last evaluated: 2026-01-22. Review status: criteria provided, single submitter. Criteria: Invitae Variant Classification Sherloc (09022015). Collection method: clinical testing. Allele origin: germline.
Comment: This sequence change replaces threonine, which is neutral and polar, with asparagine, which is neutral and polar, at codon 228 of the ACADM protein (p.Thr228Asn). This variant is present in population databases (rs149678400, gnomAD 0.2%). This missense change has been observed in individual(s) with MCAD deficiency (PMID: 23842438; 15171998 20434380, internal data). In at least one individual the data is consistent with being in trans (on the opposite chromosome) from a pathogenic variant. ClinVar contains an entry for this variant (Variation ID: 203538). Invitae Evidence Modeling of protein sequence and biophysical properties (such as structural, functional, and spatial information, amino acid conservation, physicochemical variation, residue mobility, and thermodynamic stability) indicates that this missense variant is not expected to disrupt ACADM protein function with a negative predictive value of 80%. For these reasons, this variant has been classified as Pathogenic.

Natera, Inc.
Classification: Pathogenic for Medium Chain Acyl-CoA Dehydrogenase Deficiency. Last evaluated: 2025-12-30. Review status: criteria provided, single submitter. Criteria: Natera Variant Classification Schema (03/2026). Collection method: clinical testing. Allele origin: germline.
Comment: The c.683C>A variant in ACADM is a missense variant predicted to cause substitution of threonine to asparagine at amino acid 228. This variant is rare in the general population with a frequency below the threshold expected for the associated phenotype(s). This variant has been observed in one or more individuals affected with the associated recessive disease, as either homozygous or compound heterozygous with a second variant (PMID: 18450854, 23842438, 31836396). Computational prediction algorithms indicate this variant is likely to affect gene or protein function. Given the available evidence, this variant is classified as Pathogenic.

Women's Health and Genetics/Laboratory Corporation of America, LabCorp
Classification: Pathogenic for Medium-chain acyl-coenzyme A dehydrogenase deficiency. Last evaluated: 2025-11-25. Review status: criteria provided, single submitter. Criteria: LabCorp Variant Classification Summary - May 2015. Collection method: clinical testing. Allele origin: germline.
Comment: Variant summary: ACADM c.683C>A (p.Thr228Asn) results in a non-conservative amino acid change in the encoded protein sequence. Algorithms developed to predict the effect of missense changes on protein structure and function all suggest that this variant is likely to be disruptive. The variant allele was found at a frequency of 0.00029 in 251280 control chromosomes. This frequency is not significantly higher than estimated for disease-causing variants in ACADM, allowing no conclusion about variant significance. c.683C>A has been observed in multiple individuals affected with Medium Chain Acyl-CoA Dehydrogenase Deficiency, most often in settings of newborn screening (NBS), including multiple individuals with a second pathogenic variant reported in trans (e.g. McKinney_2004, Smith_2010, Couce_2013, Navarrete_2019, Anderson_2020, Alcaide_2022, internal data). These data indicate that the variant is very likely to be associated with disease. To our knowledge, no experimental evidence demonstrating an impact on protein function has been reported. The following publications have been ascertained in the context of this evaluation (PMID: 20434380, 15171998, 23842438, 31836396, 30626930, 35629059). ClinVar contains an entry for this variant (Variation ID: 203538). Based on the evidence outlined above, the variant was classified as pathogenic.

Revvity Omics, Revvity
Classification: Likely pathogenic for Medium-chain acyl-coenzyme A dehydrogenase deficiency. Last evaluated: 2025-03-25. Review status: criteria provided, single submitter. Criteria: ACMG Guidelines, 2015. Collection method: clinical testing. Allele origin: germline.

Quest Diagnostics Nichols Institute San Juan Capistrano
Classification: Likely pathogenic. Last evaluated: 2025-03-18. Review status: criteria provided, single submitter. Criteria: Quest Diagnostics criteria. Collection method: clinical testing. Allele origin: unknown.
Comment: The ACADM c.683C>A (p.Thr228Asn) variant has been reported in the published literature in individuals with inborn error of metabolism (IEM) (PMID: 32778825 (2020)) and is reported along with another pathogenic ACADM variant in multiple individuals with Medium Chain Acyl-CoA Dehydrogenase (MCAD) Deficiency (PMIDs: 35629059 (2022), 31836396 (2020), 30626930 (2019), 23842438 (2013), 20434380 (2010), 18450854 (2008), 15171998 (2004)). A published functional study showed that lymphocytes from patients with combined ACADM c.985A>G and c.683C>A variants presented residual activity ranging from 11 to 31% of healthy individuals (PMID: 35629059 (2022)). The frequency of this variant in the general population (Genome Aggregation Database) is uninformative in the assessment of its pathogenicity. Analysis of this variant using bioinformatics tools for the prediction of the effect of amino acid changes on protein structure and function yielded predictions that this variant is benign. Based on the available information, this variant is classified as likely pathogenic.

Department of Genetics of Metabolic Diseases, Institute of Medical & Molecular Genetics, Hospital Universitario Hospital La Paz
Classification: Pathogenic for Medium-chain acyl-coenzyme A dehydrogenase deficiency. Last evaluated: 2024-09-01. Review status: criteria provided, single submitter. Criteria: ACMG Guidelines, 2015. Collection method: clinical testing. Allele origin: germline. Inheritance: Autosomal recessive inheritance. Affected: yes.
Comment: The variant NM_000016.5:c.683C>A p.(Thr228Asn) in ACADM is present at low frequency in gnomAD (0.02689%). Functional studies in fibroblasts confirm this variant reduces significatively MCAD´s activity (PMID: 23028790). This variant has been observed in compound heterozygous newborns with levels of C8 at NBS consistent with MCADD (PMID: 23842438, 35629059, 18450854, Hidalgo Mayoral I et al., in press)

NM_000016.6(ACADM):c.683C>A (p.Thr228Asn)

Gene: ACADM (acyl-CoA dehydrogenase medium chain; plus strand). Cytogenetic location: 1p31.1.
Variant type: single nucleotide variant.
Coding change: c.683C>A on transcript NM_000016.6 (MANE Select); coding-DNA position 683, C replaced by A.
Protein change: p.Thr228Asn; replaces threonine 228 with asparagine.
Molecular consequence: missense variant.
Genome position (GRCh38, 1-based): chr1:75,745,889, C>A. VCF-style: chr1-75745889-C-A. GRCh37 (hg19) VCF-style: chr1-76211574-C-A.
Other names: p.T228N:ACC>AAC; c.695C>A, p.Thr232Asn (NM_001127328.3); c.575C>A, p.Thr192Asn (NM_001286042.2); c.782C>A, p.Thr261Asn (NM_001286043.2); c.116C>A, p.Thr39Asn (NM_001286044.2); short protein forms T228N, T232N, T192N, T261N, T39N.
Identifiers: ClinVar variation 203538 (VCV000203538.44), dbSNP rs149678400, ClinGen allele CA312172.
Genomic context (GRCh38, chr1:75,745,889, plus strand): 5'-ATCCAGATCCTAAAGCTCCTGCTAATAAAGCCTTTACTGGATTCATTGTGGAAGCAGATA[C>A]CCCAGGAATTCAGATTGGGAGAAAGGTAAAGTATTTATTAATGATTAGGGCCCCAAATAT-3'
Protein context (NP_000007.1, residues 218-238): AFTGFIVEAD[Thr228Asn]PGIQIGRKEL